The following is an entry in ClinVar:

ClinVar aggregate classification (germline): Likely benign. Review status: criteria provided, multiple submitters, no conflicts (2 of 4 stars). 4 submissions from 4 submitters: Likely benign (3). 1 of the submissions does not count toward it. Last evaluated 2025-05-02.

Conditions:
TRAK1-related disorder. Also called: TRAK1-related condition.

Allele frequency attached by ClinVar (database versions not stated): ESP Exome Variant Server 0.00023.
gnomAD v4.1: 104 of 1,613,066 alleles (0.0064%); highest among the groups gnomAD compares: Admixed American, 0.015%; no homozygotes.

Submissions (4):

Labcorp Genetics (formerly Invitae), Labcorp
Classification: Likely benign. Last evaluated: 2025-05-02. Review status: criteria provided, single submitter. Criteria: Invitae Variant Classification Sherloc (09022015). Collection method: clinical testing. Allele origin: germline.

Blueprint Genetics
Classification: Likely benign. Last evaluated: 2023-11-10. Review status: criteria provided, single submitter. Criteria: ACMG Guidelines, 2015. Collection method: clinical testing. Allele origin: germline.

Breakthrough Genomics
Classification: Likely benign. Review status: criteria provided, single submitter. Criteria: ACMG Guidelines, 2015. Collection method: not provided. Allele origin: germline. Inheritance: Autosomal recessive inheritance. Affected: yes.

PreventionGenetics, part of Exact Sciences
Classification: Likely benign for TRAK1-related condition. Last evaluated: 2019-05-06. Review status: no assertion criteria provided. Collection method: clinical testing. Allele origin: germline. Not counted in ClinVar's aggregate classification.
Comment: This variant is classified as likely benign based on ACMG/AMP sequence variant interpretation guidelines (Richards et al. 2015 PMID: 25741868, with internal and published modifications).

NM_001042646.3(TRAK1):c.1744+11G>T

Gene: TRAK1 (trafficking kinesin protein 1; plus strand). Cytogenetic location: 3p22.1.
Variant type: single nucleotide variant.
Coding change: c.1744+11G>T on transcript NM_001042646.3 (MANE Select); 11 bases into the intron after coding-DNA position 1744, G replaced by T.
Molecular consequence: intron variant. On other transcripts: synonymous variant (1).
Genome position (GRCh38, 1-based): chr3:42,202,763, G>T. VCF-style: chr3-42202763-G-T. GRCh37 (hg19) VCF-style: chr3-42244255-G-T.
Other names: c.1533G>T, p.Ala511= (NM_001265610.1); c.1432+11G>T (NM_001349245.1); c.1744+11G>T (NM_001349247.2, NM_001349246.2, NM_001265608.2); c.1522+11G>T (NM_001349249.1, NM_001349248.1, NM_001265609.2); c.1570+11G>T (NM_001410741.1, NM_014965.5).
Identifiers: ClinVar variation 1896294 (VCV001896294.9), dbSNP rs376172950, ClinGen allele CA2333573.